The following is an entry in ClinVar:

ClinVar aggregate classification (germline): Uncertain significance (1 of 4 stars; one submission).

Allele frequency attached by ClinVar (database versions not stated): TOPMed below 0.00001; gnomAD 0.00001; gnomAD exomes 0.00001.
gnomAD v4.1: 17 of 1,613,842 alleles (0.0011%); highest among the groups gnomAD compares: Non-Finnish European, 0.0013%; no homozygotes.

Submission:

CeGaT Center for Human Genetics Tuebingen
Classification: Uncertain significance. Last evaluated: 2023-08-01. Review status: criteria provided, single submitter. Criteria: CeGaT Center For Human Genetics Tuebingen Variant Classification Criteria Version 2. Collection method: clinical testing. Allele origin: germline. Affected: yes. Observed: 1 variant allele.
Comment: CARMIL2: PM2

NM_001013838.3(CARMIL2):c.490G>A (p.Ala164Thr)

Gene: CARMIL2 (capping protein regulator and myosin 1 linker 2; plus strand). Cytogenetic location: 16q22.1.
Variant type: single nucleotide variant.
Coding change: c.490G>A on transcript NM_001013838.3 (MANE Select); coding-DNA position 490, G replaced by A.
Protein change: p.Ala164Thr; replaces alanine 164 with threonine.
Molecular consequence: missense variant.
Genome position (GRCh38, 1-based): chr16:67,646,737, G>A. VCF-style: chr16-67646737-G-A. GRCh37 (hg19) VCF-style: chr16-67680640-G-A.
Other names: c.490G>A, p.Ala164Thr (NM_001317026.3); short protein forms A164T.
Identifiers: ClinVar variation 2578767 (VCV002578767.25), dbSNP rs1439056526, ClinGen allele CA396331466.